The following is an entry in ClinVar:

ClinVar aggregate classification (germline): Uncertain significance. Review status: criteria provided, multiple submitters, no conflicts (2 of 4 stars). 4 submissions from 4 submitters: Uncertain significance (4). Last evaluated 2025-08-09.

Conditions:
CIC-related disorder. Also called: CIC-related condition.
Inborn genetic diseases. Identifiers: MedGen C0950123, MeSH D030342.

Allele frequency attached by ClinVar (database versions not stated): ExAC 0.00001; gnomAD 0.00001 and 0.00002; gnomAD exomes 0.00001; TOPMed 0.00002; 1000 Genomes Project 30x 0.00016; 1000 Genomes Project 0.00020.

Submissions (4):

Ambry Genetics
Classification: Uncertain significance for Inborn genetic diseases. Last evaluated: 2025-08-09. Review status: criteria provided, single submitter. Criteria: Ambry Variant Classification Scheme 2023. Collection method: clinical testing. Allele origin: germline.

PreventionGenetics, part of Exact Sciences
Classification: Uncertain significance for CIC-related condition. Last evaluated: 2022-10-07. Review status: criteria provided, single submitter. Criteria: ACMG Guidelines, 2015. Collection method: clinical testing. Allele origin: germline.
Comment: The CIC c.3613C>T variant is predicted to result in the amino acid substitution p.Arg1205Trp. To our knowledge, this variant has not been reported in the literature. This variant is reported in 0.0033% of alleles in individuals of South Asian descent in gnomAD. At this time, the clinical significance of this variant is uncertain due to the absence of conclusive functional and genetic evidence.

CeGaT Center for Human Genetics Tuebingen
Classification: Uncertain significance. Last evaluated: 2021-07-01. Review status: criteria provided, single submitter. Criteria: CeGaT Center For Human Genetics Tuebingen Variant Classification Criteria Version 2. Collection method: clinical testing. Allele origin: germline. Affected: yes. Observed: 1 variant allele.

Women's Health and Genetics/Laboratory Corporation of America, LabCorp
Classification: Uncertain significance. Last evaluated: 2019-02-03. Review status: criteria provided, single submitter. Criteria: LabCorp Variant Classification Summary - May 2015. Collection method: clinical testing. Allele origin: germline.
Comment: Variant summary: CIC c.3613C>T (p.Arg1205Trp) results in a non-conservative amino acid change in the encoded protein sequence. Four of five in-silico tools predict a damaging effect of the variant on protein function. The variant allele was found at a frequency of 4.3e-06 in 230434 control chromosomes (gnomAD). The available data on variant occurrences in the general population are insufficient to allow any conclusion about variant significance. To our knowledge, no occurrence of c.3613C>T in individuals affected with Mental retardation, autosomal dominant 45 and no experimental evidence demonstrating its impact on protein function have been reported. No clinical diagnostic laboratories have submitted clinical-significance assessments for this variant to ClinVar after 2014. Based on the evidence outlined above, the variant was classified as uncertain significance.

NM_001386298.1(CIC):c.6340C>T (p.Arg2114Trp)

Gene: CIC (capicua transcriptional repressor; plus strand). Cytogenetic location: 19q13.2.
Variant type: single nucleotide variant.
Coding change: c.6340C>T on transcript NM_001386298.1 (MANE Select); coding-DNA position 6340, C replaced by T.
Protein change: p.Arg2114Trp; replaces arginine 2114 with tryptophan.
Molecular consequence: missense variant.
Genome position (GRCh38, 1-based): chr19:42,293,099, C>T. VCF-style: chr19-42293099-C-T. GRCh37 (hg19) VCF-style: chr19-42797251-C-T.
Other names: c.3613C>T (NM_015125.4); c.6340C>T, p.Arg2114Trp (NM_001304815.2, NM_001379482.1); c.6337C>T, p.Arg2113Trp (NM_001379480.1); c.3613C>T, p.Arg1205Trp (NM_001379484.1, NM_001379485.1, NM_015125.5); short protein forms R1205W, R2113W, R2114W.
Identifiers: ClinVar variation 929080 (VCV000929080.37), dbSNP rs540906276, ClinGen allele CA9472688.